The following is an entry in ClinVar:

NM_014014.5(SNRNP200):c.3550T>C (p.Leu1184=)

Gene: SNRNP200 (small nuclear ribonucleoprotein U5 subunit 200; minus strand). Cytogenetic location: 2q11.2.
Variant type: single nucleotide variant.
Coding change: c.3550T>C on transcript NM_014014.5 (MANE Select); coding-DNA position 3550, T replaced by C.
Protein change: p.Leu1184=; no amino-acid change (leucine 1184 retained).
Molecular consequence: synonymous variant.
Genome position (GRCh38, 1-based): chr2:96,287,095, A>G on the plus strand (T>C on the coding strand, the complement: SNRNP200 is on the minus strand). VCF-style: chr2-96287095-A-G. GRCh37 (hg19) VCF-style: chr2-96952833-A-G.
Identifiers: ClinVar variation 337548 (VCV000337548.17), dbSNP rs3171927, ClinGen allele CA1778432.

ClinVar aggregate classification (germline): Benign. Review status: criteria provided, multiple submitters, no conflicts (2 of 4 stars). 5 submissions from 5 submitters: Benign (5). Last evaluated 2026-02-03.

Conditions:
Retinitis pigmentosa 33 (RP33). Identifiers: Orphanet 791, MedGen C1835895, MONDO:0012477, OMIM 610359.
Retinal dystrophy. Also called: Inherited retinal dystrophy. Identifiers: Orphanet 71862, MedGen C0854723, MeSH D058499, MONDO:0019118, HP:0000556.
Retinitis pigmentosa (RP). Identifiers: Orphanet 791, MedGen C0035334, MeSH D012174, MONDO:0019200, OMIM 268000. Inheritance: Autosomal dominant, autosomal recessive and X linked inheritance.

Allele frequency attached by ClinVar (database versions not stated): gnomAD 0.22368 and 0.24012; TOPMed 0.22799; ESP Exome Variant Server 0.23566; 1000 Genomes Project 30x 0.27998; 1000 Genomes Project 0.28415; gnomAD exomes 0.31520 and 0.31692; ExAC 0.31901.
gnomAD v4.1: 500,615 of 1,613,682 alleles (31%); highest among the groups gnomAD compares: South Asian, 65%; 87,001 homozygotes.

Submissions (5):

Labcorp Genetics (formerly Invitae), Labcorp
Classification: Benign. Last evaluated: 2026-02-03. Review status: criteria provided, single submitter. Criteria: Invitae Variant Classification Sherloc (09022015). Collection method: clinical testing. Allele origin: germline.

Dept Of Ophthalmology, Nagoya University
Classification: Benign for Retinal dystrophy. Last evaluated: 2023-10-01. Review status: criteria provided, single submitter. Criteria: Submitter's publication. Collection method: research. Allele origin: germline. Affected: yes.

Genome-Nilou Lab
Classification: Benign for Retinitis pigmentosa 33. Last evaluated: 2021-07-15. Review status: criteria provided, single submitter. Criteria: ACMG Guidelines, 2015. Collection method: clinical testing. Allele origin: germline. Affected: no.

Illumina Laboratory Services, Illumina
Classification: Benign for Retinitis pigmentosa. Last evaluated: 2018-01-12. Review status: criteria provided, single submitter. Criteria: ICSL Variant Classification Criteria 13 December 2019. Collection method: clinical testing. Allele origin: germline.
Comment: This variant was observed in the ICSL laboratory as part of a predisposition screen in an ostensibly healthy population. It had not been previously curated by ICSL or reported in the Human Gene Mutation Database (HGMD: prior to June 1st, 2018), and was therefore a candidate for classification through an automated scoring system. Utilizing variant allele frequency, disease prevalence and penetrance estimates, and inheritance mode, an automated score was calculated to assess if this variant is too frequent to cause the disease. Based on the score and internal cut-off values, a variant classified as benign is not then subjected to further curation. The score for this variant resulted in a classification of benign for this disease.

Breakthrough Genomics
Classification: Benign. Review status: criteria provided, single submitter. Criteria: ACMG Guidelines, 2015. Collection method: not provided. Allele origin: germline. Inheritance: Unknown mechanism. Affected: yes.